The following is an entry in ClinVar:

ClinVar aggregate classification (germline): Uncertain significance (1 of 4 stars; one submission).

Submission:

GeneDx
Classification: Uncertain significance. Last evaluated: 2026-03-30. Review status: criteria provided, single submitter. Criteria: GeneDx Variant Classification Process June 2021. Collection method: clinical testing. Allele origin: germline.
Comment: Not observed at significant frequency in large population cohorts (gnomAD); In silico analysis suggests that this missense variant does not alter protein structure/function; Has not been previously published as pathogenic or benign to our knowledge

NM_030912.3(TRIM8):c.560A>G (p.Asn187Ser)

Gene: TRIM8 (tripartite motif containing 8; plus strand). Cytogenetic location: 10q24.32.
Variant type: single nucleotide variant.
Coding change: c.560A>G on transcript NM_030912.3 (MANE Select); coding-DNA position 560, A replaced by G.
Protein change: p.Asn187Ser; replaces asparagine 187 with serine.
Molecular consequence: missense variant. On other transcripts: non-coding transcript variant (1).
Genome position (GRCh38, 1-based): chr10:102,645,177, A>G. VCF-style: chr10-102645177-A-G. GRCh37 (hg19) VCF-style: chr10-104404934-A-G.
Other names: c.560A>G, p.Asn187Ser (NM_001345950.1); short protein forms N187S.
Identifiers: ClinVar variation 5017677 (VCV005017677.1).
Genomic context (GRCh38, chr10:102,645,177, plus strand): 5'-GCTGCTACTACAGCGGCGCGCATCAGGGACACTCGGTGTGCGACGTGGAGATCCGAAGGA[A>G]TGAAATCCGGGCAAGTACCCTACGCGCGCGCGCGCACACACACACACACAGACACACAGT-3'
Protein context (NP_112174.2, residues 177-197): HSVCDVEIRR[Asn187Ser]EIRKMLMKQQ